The following is an entry in ClinVar:

NM_001010892.3(RSPH4A):c.1666C>T (p.Arg556Cys)

Gene: RSPH4A (radial spoke head component 4A; plus strand). Cytogenetic location: 6q22.1.
Variant type: single nucleotide variant.
Coding change: c.1666C>T on transcript NM_001010892.3 (MANE Select); coding-DNA position 1666, C replaced by T.
Protein change: p.Arg556Cys; replaces arginine 556 with cysteine.
Molecular consequence: missense variant. On other transcripts: intron variant (1).
Genome position (GRCh38, 1-based): chr6:116,629,570, C>T. VCF-style: chr6-116629570-C-T. GRCh37 (hg19) VCF-style: chr6-116950733-C-T.
Other names: c.1663-865C>T (NM_001161664.2); short protein forms R556C.
Identifiers: ClinVar variation 1399353 (VCV001399353.8), dbSNP rs777653223, ClinGen allele CA3971009.

ClinVar aggregate classification (germline): Uncertain significance (1 of 4 stars; one submission).

Conditions:
Primary ciliary dyskinesia. Also called: Ciliary dyskinesia. Identifiers: Orphanet 244, MedGen C0008780, MONDO:0016575, HP:0012265.

Allele frequency attached by ClinVar (database versions not stated): TOPMed below 0.00001; ExAC 0.00001; gnomAD exomes 0.00001.
gnomAD v4.1: 10 of 1,612,620 alleles (0.00062%); highest among the groups gnomAD compares: African/African-American, 0.0027%; no homozygotes.

Submission:

Labcorp Genetics (formerly Invitae), Labcorp
Classification: Uncertain significance for Primary ciliary dyskinesia. Last evaluated: 2022-07-05. Review status: criteria provided, single submitter. Criteria: Invitae Variant Classification Sherloc (09022015). Collection method: clinical testing. Allele origin: germline.
Comment: This sequence change replaces arginine, which is basic and polar, with cysteine, which is neutral and slightly polar, at codon 556 of the RSPH4A protein (p.Arg556Cys). This variant is present in population databases (rs777653223, gnomAD 0.002%). This variant has not been reported in the literature in individuals affected with RSPH4A-related conditions. ClinVar contains an entry for this variant (Variation ID: 1399353). Algorithms developed to predict the effect of missense changes on protein structure and function are either unavailable or do not agree on the potential impact of this missense change (SIFT: "Deleterious"; PolyPhen-2: "Probably Damaging"; Align-GVGD: "Class C0"). In summary, the available evidence is currently insufficient to determine the role of this variant in disease. Therefore, it has been classified as a Variant of Uncertain Significance.